The following is an entry in ClinVar:

ClinVar aggregate classification (germline): Pathogenic (1 of 4 stars; one submission).

Conditions:
KBG syndrome (KBGS). Also called: ANKRD11-Related KBG Syndrome. Identifiers: Orphanet 2332, MedGen C0220687, MONDO:0007846, OMIM 148050.

Submission:

Greenwood Genetic Center Diagnostic Laboratories, Greenwood Genetic Center
Classification: Pathogenic for KBG syndrome. Last evaluated: 2025-05-16. Review status: criteria provided, single submitter. Criteria: ACMG Guidelines, 2015. Collection method: clinical testing. Allele origin: germline. Affected: yes.
Comment: PVS1, PS1, PM2

NM_013275.6(ANKRD11):c.5550C>A (p.Tyr1850Ter)

Gene: ANKRD11 (ankyrin repeat domain 11; minus strand). Cytogenetic location: 16q24.3.
Variant type: single nucleotide variant.
Coding change: c.5550C>A on transcript NM_013275.6 (MANE Select); coding-DNA position 5550, C replaced by A.
Protein change: p.Tyr1850Ter; replaces tyrosine 1850 with a stop codon.
Molecular consequence: nonsense.
Genome position (GRCh38, 1-based): chr16:89,280,992, G>T on the plus strand (C>A on the coding strand, the complement: ANKRD11 is on the minus strand). VCF-style: chr16-89280992-G-T. GRCh37 (hg19) VCF-style: chr16-89347400-G-T.
Other names: c.5550C>A, p.Tyr1850Ter (NM_001256182.2, NM_001256183.2); short protein forms Y1850*.
Identifiers: ClinVar variation 4538244 (VCV004538244.1).